The following is an entry in ClinVar:

NM_139125.4(MASP1):c.35T>C (p.Phe12Ser)

Genes: MASP1 (MBL associated serine protease 1; minus strand), LOC108281160 (MED14-independent group 3 enhancer GRCh37_chr3:187003628-187004827; plus strand). Cytogenetic location: 3q27.3.
Variant type: single nucleotide variant.
Coding change: c.35T>C on transcript NM_139125.4 (MANE Select); coding-DNA position 35, T replaced by C.
Protein change: p.Phe12Ser; replaces phenylalanine 12 with serine.
Molecular consequence: missense variant.
Genome position (GRCh38, 1-based): chr3:187,286,027, A>G on the plus strand (T>C on the coding strand, the complement: MASP1 is on the minus strand). VCF-style: chr3-187286027-A-G. GRCh37 (hg19) VCF-style: chr3-187003815-A-G.
Other names: c.35T>C, p.Phe12Ser (NM_001031849.3, NM_001879.6); short protein forms F12S.
Identifiers: ClinVar variation 2404771 (VCV002404771.4), dbSNP rs769793750, ClinGen allele CA2749738.
Genomic context (GRCh38, chr3:187,286,027, plus strand): 5'-TGGATCTGGCCAAACATATTGTTTAGCTCCACGGTGTGGGCTGAAGCCTTTGACAGGGAG[A>G]AGCACAGAGCATAATAGAGAAGCAGCCACCTGAAAGACATGAATGTAGGTCTACTTACAT-3'
Protein context (NP_624302.1, residues 2-22): RWLLLYYALC[Phe12Ser]SLSKASAHTV

ClinVar aggregate classification (germline): Uncertain significance. Review status: criteria provided, multiple submitters, no conflicts (2 of 4 stars). 2 submissions from 2 submitters: Uncertain significance (2). Last evaluated 2024-10-22.

Conditions:
3MC syndrome 1. Also called: CRANIOSYNOSTOSIS WITH LID ANOMALIES; OCULOPALATOSKELETAL SYNDROME; MICHELS SYNDROME. Identifiers: Orphanet 293843, MedGen C0796059, MONDO:0009770, OMIM 257920.
Inborn genetic diseases. Identifiers: MedGen C0950123, MeSH D030342.

Allele frequency attached by ClinVar (database versions not stated): ExAC 0.00002; gnomAD exomes 0.00002.
gnomAD v4.1: 14 of 1,614,164 alleles (0.00087%); highest among the groups gnomAD compares: Non-Finnish European, 0.0012%; no homozygotes.

Submissions (2):

Labcorp Genetics (formerly Invitae), Labcorp
Classification: Uncertain significance for 3MC syndrome 1. Last evaluated: 2024-10-22. Review status: criteria provided, single submitter. Criteria: Invitae Variant Classification Sherloc (09022015). Collection method: clinical testing. Allele origin: germline.
Comment: This sequence change replaces phenylalanine, which is neutral and non-polar, with serine, which is neutral and polar, at codon 12 of the MASP1 protein (p.Phe12Ser). This variant is present in population databases (rs769793750, gnomAD 0.002%). This variant has not been reported in the literature in individuals affected with MASP1-related conditions. ClinVar contains an entry for this variant (Variation ID: 2404771). An algorithm developed to predict the effect of missense changes on protein structure and function (PolyPhen-2) suggests that this variant is likely to be tolerated. In summary, the available evidence is currently insufficient to determine the role of this variant in disease. Therefore, it has been classified as a Variant of Uncertain Significance.

Ambry Genetics
Classification: Uncertain significance for Inborn genetic diseases. Last evaluated: 2021-11-09. Review status: criteria provided, single submitter. Criteria: Ambry Variant Classification Scheme 2023. Collection method: clinical testing. Allele origin: germline.